The following is an entry in ClinVar:

NM_005506.4(SCARB2):c.1097T>C (p.Phe366Ser)

Gene: SCARB2 (scavenger receptor class B member 2; minus strand). Cytogenetic location: 4q21.1.
Variant type: single nucleotide variant.
Coding change: c.1097T>C on transcript NM_005506.4 (MANE Select); coding-DNA position 1097, T replaced by C.
Protein change: p.Phe366Ser; replaces phenylalanine 366 with serine.
Molecular consequence: missense variant.
Genome position (GRCh38, 1-based): chr4:76,169,883, A>G on the plus strand (T>C on the coding strand, the complement: SCARB2 is on the minus strand). VCF-style: chr4-76169883-A-G. GRCh37 (hg19) VCF-style: chr4-77091036-A-G.
Other names: c.668T>C, p.Phe223Ser (NM_001204255.2); short protein forms F223S, F366S.
Identifiers: ClinVar variation 1421286 (VCV001421286.3), dbSNP rs1374602411, ClinGen allele CA357314463.
Genomic context (GRCh38, chr4:76,169,883, plus strand): 5'-GAATAAAACATATGCTCTTTTACCAGGAGGAAGTATGTACTCACAGGATTAATGTCCACA[A>G]ATGTCTCATGGTCTTCCTGATTTGGGTGCATGCCTTCTATGGCAGAAACAAACCTCTCAT-3'
Protein context (NP_005497.1, residues 356-376): MHPNQEDHET[Phe366Ser]VDINPLTGII

ClinVar aggregate classification (germline): Uncertain significance (1 of 4 stars; one submission).

Conditions:
Progressive myoclonic epilepsy. Also called: Familial progressive myoclonic epilepsy; Myoclonus epilepsy; Progressive myoclonus epilepsy; Myoclonic Epilepsies, Progressive. Identifiers: Orphanet 308, Orphanet 98261, MedGen C0751778, MONDO:0020074.

Allele frequency attached by ClinVar (database versions not stated): gnomAD exomes below 0.00001.

Submission:

Labcorp Genetics (formerly Invitae), Labcorp
Classification: Uncertain significance for Progressive myoclonic epilepsy. Last evaluated: 2022-10-24. Review status: criteria provided, single submitter. Criteria: Invitae Variant Classification Sherloc (09022015). Collection method: clinical testing. Allele origin: germline.
Comment: This sequence change replaces phenylalanine, which is neutral and non-polar, with serine, which is neutral and polar, at codon 366 of the SCARB2 protein (p.Phe366Ser). This variant is present in population databases (no rsID available, gnomAD 0.0009%). This variant has not been reported in the literature in individuals affected with SCARB2-related conditions. ClinVar contains an entry for this variant (Variation ID: 1421286). Advanced modeling of protein sequence and biophysical properties (such as structural, functional, and spatial information, amino acid conservation, physicochemical variation, residue mobility, and thermodynamic stability) performed at Invitae indicates that this missense variant is not expected to disrupt SCARB2 protein function. In summary, the available evidence is currently insufficient to determine the role of this variant in disease. Therefore, it has been classified as a Variant of Uncertain Significance.